The following is an entry in ClinVar:

NM_013435.3(RAX):c.710G>A (p.Gly237Asp)

Genes: RAX (retina and anterior neural fold homeobox; minus strand), LOC130062601 (ATAC-STARR-seq lymphoblastoid silent region 9492; plus strand). Cytogenetic location: 18q21.32.
Variant type: single nucleotide variant.
Coding change: c.710G>A on transcript NM_013435.3 (MANE Select); coding-DNA position 710, G replaced by A.
Protein change: p.Gly237Asp; replaces glycine 237 with aspartic acid.
Molecular consequence: missense variant.
Genome position (GRCh38, 1-based): chr18:59,269,335, C>T on the plus strand (G>A on the coding strand, the complement: RAX is on the minus strand). VCF-style: chr18-59269335-C-T. GRCh37 (hg19) VCF-style: chr18-56936567-C-T.
Other names: short protein forms G237D.
Identifiers: ClinVar variation 892540 (VCV000892540.6), dbSNP rs757339865, ClinGen allele CA8979275.

ClinVar aggregate classification (germline): Uncertain significance. Review status: criteria provided, multiple submitters, no conflicts (2 of 4 stars). 2 submissions from 2 submitters: Uncertain significance (2). Last evaluated 2022-02-27.

Conditions:
Isolated microphthalmia 3 (MCOPS16). Also called: MICROPHTHALMIA, SYNDROMIC 16. Identifiers: Orphanet 2542, MedGen C5774181, MONDO:0012604, OMIM 611038.

Allele frequency attached by ClinVar (database versions not stated): ExAC below 0.00001; TOPMed 0.00029; gnomAD 0.00031 and 0.00035; gnomAD exomes 0.00039 and 0.00049; 1000 Genomes Project 30x 0.00187.
gnomAD v4.1: 498 of 1,324,364 alleles (0.038%); highest among the groups gnomAD compares: Admixed American, 0.084%; 1 homozygote.

Submissions (2):

Labcorp Genetics (formerly Invitae), Labcorp
Classification: Uncertain significance for Isolated microphthalmia 3. Last evaluated: 2022-02-27. Review status: criteria provided, single submitter. Criteria: Invitae Variant Classification Sherloc (09022015). Collection method: clinical testing. Allele origin: germline.
Comment: In summary, the available evidence is currently insufficient to determine the role of this variant in disease. Therefore, it has been classified as a Variant of Uncertain Significance. Algorithms developed to predict the effect of missense changes on protein structure and function (SIFT, PolyPhen-2, Align-GVGD) all suggest that this variant is likely to be tolerated. ClinVar contains an entry for this variant (Variation ID: 892540). This variant has not been reported in the literature in individuals affected with RAX-related conditions. This variant is present in population databases (rs757339865, gnomAD 0.07%). This sequence change replaces glycine, which is neutral and non-polar, with aspartic acid, which is acidic and polar, at codon 237 of the RAX protein (p.Gly237Asp).

Illumina Laboratory Services, Illumina
Classification: Uncertain significance for Isolated microphthalmia 3. Last evaluated: 2018-01-12. Review status: criteria provided, single submitter. Criteria: ICSL Variant Classification Criteria 13 December 2019. Collection method: clinical testing. Allele origin: germline.